The following is an entry in ClinVar:

ClinVar aggregate classification (germline): Conflicting classifications of pathogenicity. Review status: criteria provided, conflicting classifications (1 of 4 stars). 14 submissions from 13 submitters: Uncertain significance (1); Benign (4); Likely benign (7). 2 of the submissions do not count toward it. Last evaluated 2026-02-01.

Conditions:
Dyskeratosis congenita, autosomal dominant 3. Identifiers: MedGen C3151445, MONDO:0013522, OMIM 613990.
Revesz syndrome. Also called: EXUDATIVE RETINOPATHY WITH BONE MARROW FAILURE; DYSKERATOSIS CONGENITA, AUTOSOMAL DOMINANT 5. Identifiers: Orphanet 3088, MedGen C1327916, MONDO:0009990, OMIM 268130.
Dyskeratosis congenita, autosomal dominant 1 (DKCA1). Also called: Dyskeratosis congenita Scoggins type. Identifiers: Orphanet 1775, MedGen C4551974, MONDO:0007485, OMIM 127550. Inheritance: Variable.
Dyskeratosis congenita. Identifiers: Orphanet 1775, MedGen C0265965, MONDO:0015780.
Malignant tumor of breast. Also called: Malignant breast neoplasm; Cancer breast. Identifiers: MedGen C0006142, MONDO:0007254. Disease mechanism: loss of function.

Allele frequency attached by ClinVar (database versions not stated): ESP Exome Variant Server 0.00033; gnomAD 0.00034 and 0.00046; TOPMed 0.00039; 1000 Genomes Project 30x 0.00078; gnomAD exomes 0.00084 and 0.00112; 1000 Genomes Project 0.00100; ExAC 0.00123.
gnomAD v4.1: 1,311 of 1,613,488 alleles (0.081%); highest among the groups gnomAD compares: Middle Eastern, 1%; 8 homozygotes.

Submissions (14):

Labcorp Genetics (formerly Invitae), Labcorp
Classification: Benign for Dyskeratosis congenita. Last evaluated: 2026-02-01. Review status: criteria provided, single submitter. Criteria: Invitae Variant Classification Sherloc (09022015). Collection method: clinical testing. Allele origin: germline.

Genomic Medicine Center of Excellence, King Faisal Specialist Hospital and Research Centre
Classification: Likely benign. Last evaluated: 2025-08-18. Review status: criteria provided, single submitter. Criteria: ACMG Guidelines, 2015. Collection method: clinical testing. Allele origin: germline.

Center for Genomic Medicine, Rigshospitalet, Copenhagen University Hospital
Classification: Uncertain significance. Last evaluated: 2025-03-04. Review status: criteria provided, single submitter. Criteria: ACMG Guidelines, 2015. Collection method: clinical testing. Allele origin: germline.

CeGaT Center for Human Genetics Tuebingen
Classification: Benign. Last evaluated: 2025-03-01. Review status: criteria provided, single submitter. Criteria: CeGaT Center For Human Genetics Tuebingen Variant Classification Criteria Version 2. Collection method: clinical testing. Allele origin: germline. Affected: yes. Observed: 2 variant alleles.
Comment: TINF2: BP4, BS1, BS2

Blueprint Genetics
Classification: Likely benign. Last evaluated: 2024-11-15. Review status: criteria provided, single submitter. Criteria: ACMG Guidelines, 2015. Collection method: clinical testing. Allele origin: germline.

Fulgent Genetics
Classification: Likely benign for Dyskeratosis congenita, autosomal dominant 1; Revesz syndrome; Dyskeratosis congenita, autosomal dominant 3. Last evaluated: 2022-05-13. Review status: criteria provided, single submitter. Criteria: ACMG Guidelines, 2015. Collection method: clinical testing. Allele origin: unknown.

Sema4
Classification: Benign for Dyskeratosis congenita. Last evaluated: 2020-03-26. Review status: criteria provided, single submitter. Criteria: Sema4 Curation Guidelines. Collection method: curation. Allele origin: germline.

Dubai Health Genomic Medicine Center, Dubai Health
Classification: Benign. Last evaluated: 2019-12-29. Review status: criteria provided, single submitter. Criteria: ACMG Guidelines, 2015. Collection method: clinical testing. Allele origin: germline. Affected: yes.

Genetic Services Laboratory, University of Chicago
Classification: Likely benign. Last evaluated: 2019-10-22. Review status: criteria provided, single submitter. Criteria: ACMG Guidelines, 2015. Collection method: clinical testing. Allele origin: germline. Affected: no.

Illumina Laboratory Services, Illumina
Classification: Likely benign for Revesz syndrome. Last evaluated: 2017-04-27. Review status: criteria provided, single submitter. Criteria: ICSL Variant Classification Criteria 13 December 2019. Collection method: clinical testing. Allele origin: germline.
Comment: This variant was observed as part of a predisposition screen in an ostensibly healthy population. A literature search was performed for the gene, cDNA change, and amino acid change (where applicable). No publications were found based on this search. Allele frequency data from public databases allowed determination this variant is unlikely to cause disease. Therefore, this variant is classified as likely benign.

Illumina Laboratory Services, Illumina
Classification: Likely benign for Dyskeratosis congenita, autosomal dominant 3. Last evaluated: 2017-04-27. Review status: criteria provided, single submitter. Criteria: ICSL Variant Classification Criteria 13 December 2019. Collection method: clinical testing. Allele origin: germline.
Comment: This variant was observed as part of a predisposition screen in an ostensibly healthy population. A literature search was performed for the gene, cDNA change, and amino acid change (where applicable). Publications were found based on this search. The evidence from the literature, in combination with allele frequency data from public databases where available, was sufficient to determine this variant is unlikely to cause disease. Therefore, this variant is classified as likely benign.

Breakthrough Genomics
Classification: Likely benign. Review status: criteria provided, single submitter. Criteria: ACMG Guidelines, 2015. Collection method: not provided. Allele origin: germline. Inheritance: Autosomal dominant inheritance. Affected: yes.

Center of Medical Genetics and Primary Health Care
Classification: Benign for Breast Cancer. Review status: no assertion criteria provided. Collection method: clinical testing. Allele origin: germline. Affected: yes. Not counted in ClinVar's aggregate classification.

GeneReviews
No classification provided. Condition: Dyskeratosis congenita, autosomal dominant 1. Review status: no classification provided. Collection method: literature only. Allele origin: unknown. Not counted in ClinVar's aggregate classification.

Literature cited by the submitters: PubMed 18669893 (cited by Illumina Laboratory Services, Illumina); PubMed 20301779 (cited by GeneReviews); NCBI Bookshelf NBK22301 (cited by GeneReviews).

NM_001099274.3(TINF2):c.734C>A (p.Ser245Tyr)

Gene: TINF2 (TERF1 interacting nuclear factor 2; minus strand). Cytogenetic location: 14q12.
Variant type: single nucleotide variant.
Coding change: c.734C>A on transcript NM_001099274.3 (MANE Select); coding-DNA position 734, C replaced by A.
Protein change: p.Ser245Tyr; replaces serine 245 with tyrosine.
Molecular consequence: missense variant.
Genome position (GRCh38, 1-based): chr14:24,240,746, G>T on the plus strand (C>A on the coding strand, the complement: TINF2 is on the minus strand). VCF-style: chr14-24240746-G-T. GRCh37 (hg19) VCF-style: chr14-24709952-G-T.
Other names: c.629C>A, p.Ser210Tyr (NM_001363668.2); c.734C>A, p.Ser245Tyr (NM_012461.3); short protein forms S245Y, S210Y.
Identifiers: ClinVar variation 38916 (VCV000038916.40), dbSNP rs142777869, ClinGen allele CA343172.